The following is an entry in ClinVar:

ClinVar aggregate classification (germline): Uncertain significance (1 of 4 stars; one submission).

Submission:

Labcorp Genetics (formerly Invitae), Labcorp
Classification: Uncertain significance. Last evaluated: 2024-06-25. Review status: criteria provided, single submitter. Criteria: Invitae Variant Classification Sherloc (09022015). Collection method: clinical testing. Allele origin: germline.
Comment: This sequence change creates a premature translational stop signal (p.Ser262Hisfs*8) in the POLR3F gene. While this is not anticipated to result in nonsense mediated decay, it is expected to disrupt the last 14 amino acid(s) of the POLR3F protein. This variant is not present in population databases (gnomAD no frequency). This variant has not been reported in the literature in individuals affected with POLR3F-related conditions. ClinVar contains an entry for this variant (Variation ID: 2075836). Experimental studies and prediction algorithms are not available or were not evaluated, and the functional significance of this variant is currently unknown. In summary, the available evidence is currently insufficient to determine the role of this variant in disease. Therefore, it has been classified as a Variant of Uncertain Significance.

NM_006466.4(POLR3F):c.907del (p.Ser303fs)

Gene: POLR3F (RNA polymerase III subunit F; plus strand). Cytogenetic location: 20p11.23.
Variant type: Deletion.
Coding change: c.907del on transcript NM_006466.4 (MANE Select); coding-DNA position 907, one base deleted (T; older notation c.907delT).
Protein change: p.Ser303fs; shifts the reading frame from serine 303.
Molecular consequence: frameshift variant. On other transcripts: non-coding transcript variant (1).
Genome position (GRCh38, 1-based): chr20:18,483,514, T deleted; the last of 3 consecutive T bases (chr20:18,483,512-18,483,514); deleting any one gives the same sequence. VCF-style (leftmost placement, unchanged base first): chr20-18483511-AT-A. GRCh37 (hg19) VCF-style: chr20-18464155-AT-A.
Other names: c.784del, p.Ser262fs (NM_001282526.2); c.763delT, p.Ser255Hisfs (NM_001410821.1); short protein forms S303fs, S262fs.
Identifiers: ClinVar variation 2075836 (VCV002075836.4), dbSNP rs1339261207, ClinGen allele CA741793968.
Genomic context (GRCh38, chr20:18,483,511, plus strand): 5'-TTGAATATAATTTTTTTTTCTTTTTTAAAGGTTTTTGATGACTGCCACGAAGGTGGTGAG[AT>A]TTCACCATCTAACTGTATTTACATGACAGAGTGGCTCGAATTTTAATAGAGAGCTATGAA-3'